The following is an entry in ClinVar:

ClinVar aggregate classification (germline): Uncertain significance. Review status: criteria provided, multiple submitters, no conflicts (2 of 4 stars). 3 submissions from 3 submitters: Uncertain significance (3). Last evaluated 2025-08-19.

Conditions:
Inborn genetic diseases. Identifiers: MedGen C0950123, MeSH D030342.
STING-associated vasculopathy with onset in infancy. Also called: Sting-associated vasculopathy, infantile-onset. Identifiers: Orphanet 425120, MedGen C4014722, MONDO:0014405, OMIM 615934.

Allele frequency attached by ClinVar (database versions not stated): TOPMed 0.00002; gnomAD 0.00003 and 0.00004.

Submissions (3):

Ambry Genetics
Classification: Uncertain significance for Inborn genetic diseases. Last evaluated: 2025-08-19. Review status: criteria provided, single submitter. Criteria: Ambry Variant Classification Scheme 2023. Collection method: clinical testing. Allele origin: germline.

Labcorp Genetics (formerly Invitae), Labcorp
Classification: Uncertain significance for STING-associated vasculopathy with onset in infancy. Last evaluated: 2024-10-03. Review status: criteria provided, single submitter. Criteria: Invitae Variant Classification Sherloc (09022015). Collection method: clinical testing. Allele origin: germline.
Comment: This sequence change replaces asparagine, which is neutral and polar, with serine, which is neutral and polar, at codon 183 of the TMEM173 protein (p.Asn183Ser). This variant is present in population databases (rs201277595, gnomAD 0.03%). This variant has not been reported in the literature in individuals affected with TMEM173-related conditions. ClinVar contains an entry for this variant (Variation ID: 475207). Invitae Evidence Modeling of protein sequence and biophysical properties (such as structural, functional, and spatial information, amino acid conservation, physicochemical variation, residue mobility, and thermodynamic stability) indicates that this missense variant is not expected to disrupt TMEM173 protein function with a negative predictive value of 80%. In summary, the available evidence is currently insufficient to determine the role of this variant in disease. Therefore, it has been classified as a Variant of Uncertain Significance.

CeGaT Center for Human Genetics Tuebingen
Classification: Uncertain significance. Last evaluated: 2020-06-01. Review status: criteria provided, single submitter. Criteria: CeGaT Center For Human Genetics Tuebingen Variant Classification Criteria Version 2. Collection method: clinical testing. Allele origin: germline. Affected: yes. Observed: 1 variant allele.

NM_198282.4(STING1):c.548A>G (p.Asn183Ser)

Gene: STING1 (stimulator of interferon response cGAMP interactor 1; minus strand). Cytogenetic location: 5q31.2.
Variant type: single nucleotide variant.
Coding change: c.548A>G on transcript NM_198282.4 (MANE Select); coding-DNA position 548, A replaced by G.
Protein change: p.Asn183Ser; replaces asparagine 183 with serine.
Molecular consequence: missense variant.
Genome position (GRCh38, 1-based): chr5:139,478,481, T>C on the plus strand (A>G on the coding strand, the complement: STING1 is on the minus strand). VCF-style: chr5-139478481-T-C. GRCh37 (hg19) VCF-style: chr5-138858066-T-C.
Other names: c.548A>G, p.Asn183Ser (LRG_1308t1, NM_001301738.2); c.191A>G, p.Asn64Ser (NM_001367258.1); c.548A>G (NM_198282.2); short protein forms N183S, N64S.
Identifiers: ClinVar variation 475207 (VCV000475207.50), dbSNP rs201277595, ClinGen allele CA3435373.